The following is an entry in ClinVar:

ClinVar aggregate classification (germline): Likely benign. Review status: criteria provided, multiple submitters, no conflicts (2 of 4 stars). 3 submissions from 3 submitters: Likely benign (3). Last evaluated 2025-02-01.

Conditions:
Inborn genetic diseases. Identifiers: MedGen C0950123, MeSH D030342.

Allele frequency attached by ClinVar (database versions not stated): TOPMed 0.00001; gnomAD 0.00004; gnomAD exomes 0.00004.
gnomAD v4.1: 70 of 1,613,900 alleles (0.0043%); highest among the groups gnomAD compares: Middle Eastern, 0.033%; no homozygotes.

Submissions (3):

CeGaT Center for Human Genetics Tuebingen
Classification: Likely benign. Last evaluated: 2025-02-01. Review status: criteria provided, single submitter. Criteria: CeGaT Center For Human Genetics Tuebingen Variant Classification Criteria Version 2. Collection method: clinical testing. Allele origin: germline. Affected: yes. Observed: 2 variant alleles.
Comment: SBDS: BP4, BP7

Blueprint Genetics
Classification: Likely benign. Last evaluated: 2024-10-23. Review status: criteria provided, single submitter. Criteria: ACMG Guidelines, 2015. Collection method: clinical testing. Allele origin: germline.

Ambry Genetics
Classification: Likely benign for Inborn genetic diseases. Last evaluated: 2024-03-08. Review status: criteria provided, single submitter. Criteria: Ambry Variant Classification Scheme 2023. Collection method: clinical testing. Allele origin: germline.

NM_016038.4(SBDS):c.387C>T (p.Thr129=)

Gene: SBDS (SBDS ribosome maturation factor; minus strand). Cytogenetic location: 7q11.21.
Variant type: single nucleotide variant.
Coding change: c.387C>T on transcript NM_016038.4 (MANE Select); coding-DNA position 387, C replaced by T.
Protein change: p.Thr129=; no amino-acid change (threonine 129 retained).
Molecular consequence: synonymous variant.
Genome position (GRCh38, 1-based): chr7:66,993,289, G>A on the plus strand (C>T on the coding strand, the complement: SBDS is on the minus strand). VCF-style: chr7-66993289-G-A. GRCh37 (hg19) VCF-style: chr7-66458276-G-A.
Identifiers: ClinVar variation 3226706 (VCV003226706.19), dbSNP rs766637596, ClinGen allele CA4279170.
Genomic context (GRCh38, chr7:66,993,289, plus strand): 5'-ACTCTTGTTGGTTTTCACCGAATAGTGGATGTCCTTCATGGCTCTCTCAATAAGGATCAC[G>A]GTGTATGGTCTCTTTGTTTCAGGATTCACACATTTGTCTGCCACAATAGTTGCAATGTCC-3'
Protein context (NP_057122.2, residues 119-139): CVNPETKRPY[Thr129=]VILIERAMKD